The following is an entry in ClinVar:

NM_018699.4(PRDM5):c.83G>A (p.Arg28Lys)

Gene: PRDM5 (PR/SET domain 5; minus strand). Cytogenetic location: 4q27.
Variant type: single nucleotide variant.
Coding change: c.83G>A on transcript NM_018699.4 (MANE Select); coding-DNA position 83, G replaced by A.
Protein change: p.Arg28Lys; replaces arginine 28 with lysine.
Molecular consequence: missense variant.
Genome position (GRCh38, 1-based): chr4:120,922,526, C>T on the plus strand (G>A on the coding strand, the complement: PRDM5 is on the minus strand). VCF-style: chr4-120922526-C-T. GRCh37 (hg19) VCF-style: chr4-121843681-C-T.
Other names: c.83G>A, p.Arg28Lys (NM_001300823.2, NM_001300824.2, NM_001379104.1 and 1 more transcripts); short protein forms R28K.
Identifiers: ClinVar variation 1936784 (VCV001936784.3), dbSNP rs1725092473, ClinGen allele CA358209835.

ClinVar aggregate classification (germline): Uncertain significance (1 of 4 stars; one submission).

gnomAD v4.1: 3 of 1,607,050 alleles (0.00019%); highest among the groups gnomAD compares: Non-Finnish European, 0.00025%; no homozygotes.

Submission:

Labcorp Genetics (formerly Invitae), Labcorp
Classification: Uncertain significance. Last evaluated: 2023-12-11. Review status: criteria provided, single submitter. Criteria: Invitae Variant Classification Sherloc (09022015). Collection method: clinical testing. Allele origin: germline.
Comment: This sequence change replaces arginine, which is basic and polar, with lysine, which is basic and polar, at codon 28 of the PRDM5 protein (p.Arg28Lys). This variant is not present in population databases (gnomAD no frequency). This variant has not been reported in the literature in individuals affected with PRDM5-related conditions. ClinVar contains an entry for this variant (Variation ID: 1936784). An algorithm developed to predict the effect of missense changes on protein structure and function (PolyPhen-2) suggests that this variant¬†is likely to be tolerated. In summary, the available evidence is currently insufficient to determine the role of this variant in disease. Therefore, it has been classified as a Variant of Uncertain Significance.